The following is an entry in ClinVar:

ClinVar aggregate classification (germline): Uncertain significance (1 of 4 stars; one submission).

Conditions:
Ellis-van Creveld syndrome (EVC). Also called: EVC-Related Ellis-van Creveld Syndrome; EVC2-Related Ellis-van Creveld Syndrome; MESOECTODERMAL DYSPLASIA; Chondroectodermal dysplasia. Identifiers: Orphanet 289, MedGen C0013903, MONDO:0009162, OMIM 225500.
Curry-Hall syndrome (WAD). Also called: WEYERS ACRODENTAL DYSOSTOSIS. Identifiers: Orphanet 952, MedGen C0457013, MONDO:0008673, OMIM 193530.

gnomAD v4.1: 6 of 1,614,054 alleles (0.00037%); highest among the groups gnomAD compares: African/African-American, 0.008%; no homozygotes.

Submission:

Labcorp Genetics (formerly Invitae), Labcorp
Classification: Uncertain significance for Curry-Hall syndrome; Ellis-van Creveld syndrome. Last evaluated: 2022-05-25. Review status: criteria provided, single submitter. Criteria: Invitae Variant Classification Sherloc (09022015). Collection method: clinical testing. Allele origin: germline.
Comment: This sequence change replaces arginine, which is basic and polar, with proline, which is neutral and non-polar, at codon 911 of the EVC2 protein (p.Arg911Pro). This variant is present in population databases (no rsID available, gnomAD 0.02%). This variant has not been reported in the literature in individuals affected with EVC2-related conditions. Algorithms developed to predict the effect of missense changes on protein structure and function are either unavailable or do not agree on the potential impact of this missense change (SIFT: "Tolerated"; PolyPhen-2: "Probably Damaging"; Align-GVGD: "Class C0"). In summary, the available evidence is currently insufficient to determine the role of this variant in disease. Therefore, it has been classified as a Variant of Uncertain Significance.

NM_147127.5(EVC2):c.2732G>C (p.Arg911Pro)

Gene: EVC2 (EvC ciliary complex subunit 2; minus strand). Cytogenetic location: 4p16.2.
Variant type: single nucleotide variant.
Coding change: c.2732G>C on transcript NM_147127.5 (MANE Select); coding-DNA position 2732, G replaced by C.
Protein change: p.Arg911Pro; replaces arginine 911 with proline.
Molecular consequence: missense variant.
Genome position (GRCh38, 1-based): chr4:5,615,519, C>G on the plus strand (G>C on the coding strand, the complement: EVC2 is on the minus strand). VCF-style: chr4-5615519-C-G. GRCh37 (hg19) VCF-style: chr4-5617246-C-G.
Other names: c.2492G>C, p.Arg831Pro (NM_001166136.2); short protein forms R911P, R831P.
Identifiers: ClinVar variation 1952415 (VCV001952415.2), dbSNP rs767317898, ClinGen allele CA91693790.